The following is an entry in ClinVar:

NM_001372066.1(TFAP2A):c.1185C>G (p.Ala395=)

Gene: TFAP2A (transcription factor AP-2 alpha; minus strand). Cytogenetic location: 6p24.3.
Variant type: single nucleotide variant.
Coding change: c.1185C>G on transcript NM_001372066.1 (MANE Select); coding-DNA position 1185, C replaced by G.
Protein change: p.Ala395=; no amino-acid change (alanine 395 retained).
Molecular consequence: synonymous variant.
Genome position (GRCh38, 1-based): chr6:10,398,552, G>C on the plus strand (C>G on the coding strand, the complement: TFAP2A is on the minus strand). VCF-style: chr6-10398552-G-C. GRCh37 (hg19) VCF-style: chr6-10398785-G-C.
Other names: c.1161C>G, p.Ala387= (NM_001032280.3); c.1167C>G, p.Ala389= (NM_001042425.3).
Identifiers: ClinVar variation 2195020 (VCV002195020.15), dbSNP rs181105841, ClinGen allele CA3631089.

ClinVar aggregate classification (germline): Benign/Likely benign. Review status: criteria provided, multiple submitters, no conflicts (2 of 4 stars). 3 submissions from 3 submitters: Benign (1); Likely benign (2). Last evaluated 2025-11-20.

Allele frequency attached by ClinVar (database versions not stated): TOPMed 0.00014; 1000 Genomes Project 30x 0.00094; 1000 Genomes Project 0.00100.
gnomAD v4.1: 147 of 1,614,216 alleles (0.0091%); highest among the groups gnomAD compares: East Asian, 0.3%; 2 homozygotes.

Submissions (3):

Labcorp Genetics (formerly Invitae), Labcorp
Classification: Benign. Last evaluated: 2025-11-20. Review status: criteria provided, single submitter. Criteria: Invitae Variant Classification Sherloc (09022015). Collection method: clinical testing. Allele origin: germline.

CeGaT Center for Human Genetics Tuebingen
Classification: Likely benign. Last evaluated: 2025-05-01. Review status: criteria provided, single submitter. Criteria: CeGaT Center For Human Genetics Tuebingen Variant Classification Criteria Version 2. Collection method: clinical testing. Allele origin: germline. Affected: yes. Observed: 1 variant allele.
Comment: TFAP2A: BP4, BP7

Blueprint Genetics
Classification: Likely benign. Last evaluated: 2024-09-14. Review status: criteria provided, single submitter. Criteria: ACMG Guidelines, 2015. Collection method: clinical testing. Allele origin: germline.